The following is an entry in ClinVar:

ClinVar aggregate classification (germline): Likely benign (1 of 4 stars; one submission).

Conditions:
Pitt-Hopkins-like syndrome 2 (PTHSL2). Identifiers: Orphanet 221150, Orphanet 600663, MedGen C3280479, MONDO:0013690, OMIM 614325.

Allele frequency attached by ClinVar (database versions not stated): 1000 Genomes Project 0.00080; 1000 Genomes Project 30x 0.00156; TOPMed 0.00437; gnomAD 0.00449 and 0.00460.
gnomAD v4.1: 2,064 of 423,902 alleles (0.49%); highest among the groups gnomAD compares: Non-Finnish European, 0.67%; 9 homozygotes.

Submission:

Illumina Laboratory Services, Illumina
Classification: Likely benign for Pitt-Hopkins-like syndrome 2. Last evaluated: 2018-01-13. Review status: criteria provided, single submitter. Criteria: ICSL Variant Classification Criteria 13 December 2019. Collection method: clinical testing. Allele origin: germline.
Comment: This variant was observed in the ICSL laboratory as part of a predisposition screen in an ostensibly healthy population. It had not been previously curated by ICSL or reported in the Human Gene Mutation Database (HGMD: prior to June 1st, 2018), and was therefore a candidate for classification through an automated scoring system. Utilizing variant allele frequency, disease prevalence and penetrance estimates, and inheritance mode, an automated score was calculated to assess if this variant is too frequent to cause the disease. Based on the score and internal cut-off values, a variant classified as likely benign is not then subjected to further curation. The score for this variant resulted in a classification of likely benign for this disease.

NM_001330078.2(NRXN1):c.-209A>G

Gene: NRXN1 (neurexin 1; minus strand). Cytogenetic location: 2p16.3.
Variant type: single nucleotide variant.
Coding change: c.-209A>G on transcript NM_001330078.2 (MANE Select); 209 bases upstream of the start codon, A replaced by G.
Molecular consequence: 5 prime UTR variant.
Genome position (GRCh38, 1-based): chr2:51,028,482, T>C on the plus strand (A>G on the coding strand, the complement: NRXN1 is on the minus strand). VCF-style: chr2-51028482-T-C. GRCh37 (hg19) VCF-style: chr2-51255620-T-C.
Other names: c.-209A>G (NM_001135659.3, NM_001330077.2, NM_001330079.2 and 15 more transcripts).
Identifiers: ClinVar variation 336558 (VCV000336558.5), dbSNP rs112715587, ClinGen allele CA10615857.